The following is an entry in ClinVar:

NM_001367871.1(FBRSL1):c.438C>T (p.Leu146=)

Gene: FBRSL1 (fibrosin like 1; plus strand). Cytogenetic location: 12q24.33.
Variant type: single nucleotide variant.
Coding change: c.438C>T on transcript NM_001367871.1 (MANE Select); coding-DNA position 438, C replaced by T.
Protein change: p.Leu146=; no amino-acid change (leucine 146 retained).
Molecular consequence: synonymous variant. On other transcripts: non-coding transcript variant (1).
Genome position (GRCh38, 1-based): chr12:132,508,299, C>T. VCF-style: chr12-132508299-C-T. GRCh37 (hg19) VCF-style: chr12-133084885-C-T.
Other names: c.438C>T, p.Leu146= (NM_001142641.2, NM_001382739.1, NM_001382740.1 and 2 more transcripts); c.141C>T, p.Leu47= (NM_001382742.1).
Identifiers: ClinVar variation 4084148 (VCV004084148.8).

ClinVar aggregate classification (germline): Likely benign (1 of 4 stars; one submission).

gnomAD v4.1: 6 of 1,548,972 alleles (0.00039%); highest among the groups gnomAD compares: South Asian, 0.0024%; no homozygotes.

Submission:

CeGaT Center for Human Genetics Tuebingen
Classification: Likely benign. Last evaluated: 2025-06-01. Review status: criteria provided, single submitter. Criteria: CeGaT Center For Human Genetics Tuebingen Variant Classification Criteria Version 2. Collection method: clinical testing. Allele origin: germline. Affected: yes. Observed: 1 variant allele.
Comment: FBRSL1: BP4, BP7